The following is an entry in ClinVar:

NC_000011.9:g.(?_118373093)_(118392887_?)dup

Gene: KMT2A (lysine methyltransferase 2A; plus strand). Cytogenetic location: 11q23.3.
Variant type: Duplication.
Identifiers: ClinVar variation 1443030 (VCV001443030.5).

ClinVar aggregate classification (germline): Uncertain significance (1 of 4 stars; one submission).

Submission:

Labcorp Genetics (formerly Invitae), Labcorp
Classification: Uncertain significance. Last evaluated: 2023-12-10. Review status: criteria provided, single submitter. Criteria: Invitae Variant Classification Sherloc (09022015). Collection method: clinical testing. Allele origin: germline.
Comment: This variant results in a copy number gain of the genomic region encompassing exon(s) 27-36 of the KMT2A gene. This region includes the termination codon of the gene. This copy number gain extends beyond the assayed region for this gene and therefore may encompass additional genes. As the precise location of this event is unknown, it may be in tandem or it may be located elsewhere in the genome. This variant has not been reported in the literature in individuals affected with KMT2A-related conditions. Experimental studies and prediction algorithms are not available or were not evaluated, and the functional significance of this variant is currently unknown. In summary, the available evidence is currently insufficient to determine the role of this variant in disease. Therefore, it has been classified as a Variant of Uncertain Significance.